The following is an entry in ClinVar:

ClinVar aggregate classification (germline): Pathogenic (1 of 4 stars; one submission).

Conditions:
Hereditary spastic paraplegia 15 (SPG15). Also called: SPASTIC PARAPLEGIA 15, AUTOSOMAL RECESSIVE; KJELLIN SYNDROME; SPASTIC PARAPLEGIA AND RETINAL DEGENERATION. Identifiers: Orphanet 100996, MedGen C1849128, MONDO:0010044, OMIM 270700.

Submission:

Myriad Genetics, Inc.
Classification: Pathogenic for Hereditary spastic paraplegia 15. Last evaluated: 2025-02-28. Review status: criteria provided, single submitter. Criteria: Myriad Autosomal Dominant, Autosomal Recessive and X-Linked Classification Criteria (2023). Collection method: clinical testing. Allele origin: unknown.
Comment: NM_015346.3(ZFYVE26):c.4485delC(Y1496Tfs*12) is expected to be pathogenic in the context of spastic paraplegia type 15. This variant is predicted to lead to an abnormal or absent protein product due to the creation of a premature termination codon in ZFYVE26, a gene where loss-of-function variants are known to be pathogenic. Please note: this variant was assessed in the context of healthy population screening.

NM_015346.4(ZFYVE26):c.4485del (p.Tyr1496fs)

Gene: ZFYVE26 (zinc finger FYVE-type containing 26; minus strand). Cytogenetic location: 14q24.1.
Variant type: Deletion.
Coding change: c.4485del on transcript NM_015346.4 (MANE Select); coding-DNA position 4485, one base deleted (C; older notation c.4485delC).
Protein change: p.Tyr1496fs; shifts the reading frame from tyrosine 1496.
Molecular consequence: frameshift variant.
Genome position (GRCh38, 1-based): chr14:67,781,417, G deleted on the plus strand (C on the coding strand, the reverse complement: ZFYVE26 is on the minus strand); the first of 2 consecutive G bases (chr14:67,781,417-67,781,418); deleting either gives the same sequence. VCF-style (leftmost placement, unchanged base first): chr14-67781416-AG-A. GRCh37 (hg19) VCF-style: chr14-68248133-AG-A.
Other names: short protein forms Y1496fs.
Identifiers: ClinVar variation 5014147 (VCV005014147.1).